The following is an entry in ClinVar:

ClinVar aggregate classification (germline): Likely pathogenic (1 of 4 stars; one submission).

Submissions (2):

GeneDx
Classification: Likely pathogenic. Last evaluated: 2019-09-24. Review status: criteria provided, single submitter. Criteria: GeneDx Variant Classification Process June 2021. Collection method: clinical testing. Allele origin: germline. Affected: yes.
Comment: Has not been previously published as pathogenic or benign to our knowledge; Not observed in large population cohorts (Lek et al., 2016); In silico analysis, which includes protein predictors and evolutionary conservation, supports a deleterious effect

Dr. Peter K. Rogan Lab, Western University
No classification provided (evidence only). Condition: Thyroid cancer, nonmedullary, 1. Review status: no classification provided. Collection method: in vitro. Allele origin: not applicable. Functional consequence: retained intron. Not counted in ClinVar's aggregate classification.

NM_001356.5(DDX3X):c.605G>T (p.Arg202Leu)

Gene: DDX3X (DEAD-box helicase 3 X-linked; plus strand). Cytogenetic location: Xp11.4.
Variant type: single nucleotide variant.
Coding change: c.605G>T on transcript NM_001356.5 (MANE Select); coding-DNA position 605, G replaced by T.
Protein change: p.Arg202Leu; replaces arginine 202 with leucine.
Molecular consequence: missense variant. On other transcripts: non-coding transcript variant (1).
Genome position (GRCh38, 1-based): chrX:41,343,277, G>T. VCF-style: chrX-41343277-G-T. GRCh37 (hg19) VCF-style: chrX-41202530-G-T.
Other names: NC_000023.10:g.41202530G>T; c.605G>T, p.Arg202Leu (NM_001193416.3); c.557G>T, p.Arg186Leu (NM_001193417.3); c.47G>T, p.Arg16Leu (NM_001363819.1); short protein forms R16L, R186L, R202L.
Identifiers: ClinVar variation 1200185 (VCV001200185.4), dbSNP rs2063875651, ClinGen allele CA412767998.